The following is an entry in ClinVar:

NM_001374736.1(DST):c.17014A>G (p.Thr5672Ala)

Gene: DST (dystonin; minus strand). Cytogenetic location: 6p12.1.
Variant type: single nucleotide variant.
Coding change: c.17014A>G on transcript NM_001374736.1 (MANE Select); coding-DNA position 17014, A replaced by G.
Protein change: p.Thr5672Ala; replaces threonine 5672 with alanine.
Molecular consequence: missense variant.
Genome position (GRCh38, 1-based): chr6:56,532,438, T>C on the plus strand (A>G on the coding strand, the complement: DST is on the minus strand). VCF-style: chr6-56532438-T-C. GRCh37 (hg19) VCF-style: chr6-56397236-T-C.
Other names: c.10657A>G, p.Thr3553Ala (NM_001144769.5); c.10243A>G, p.Thr3415Ala (NM_001144770.2); c.17014A>G, p.Thr5672Ala (NM_001374722.1); c.16381A>G, p.Thr5461Ala (NM_001374729.1); c.10123A>G, p.Thr3375Ala (NM_001374730.1, NM_001386100.1, NM_183380.4); c.17041A>G, p.Thr5681Ala (NM_001374734.1); c.9145A>G, p.Thr3049Ala (NM_015548.5); short protein forms T3375A, T3553A, T3049A, T3415A, T5672A, T5461A, T5681A.
Identifiers: ClinVar variation 2181219 (VCV002181219.1), dbSNP rs759876990, ClinGen allele CA3867543.

ClinVar aggregate classification (germline): Uncertain significance (1 of 4 stars; one submission).

Conditions:
Epidermolysis bullosa simplex 3, localized or generalized intermediate, with BP230 deficiency (EBS3). Also called: Epidermolysis bullosa simplex due to BP230 deficiency; Epidermolysis bullosa simplex, autosomal recessive 2. Identifiers: Orphanet 412181, MedGen C3809470, MONDO:0014180, OMIM 615425.
Hereditary sensory and autonomic neuropathy type 6. Also called: Neuropathy, hereditary sensory and autonomic, type VI; HSAN VI. Identifiers: Orphanet 314381, MedGen C3539003, MONDO:0013839, OMIM 614653.

gnomAD v4.1: 4 of 1,613,006 alleles (0.00025%); highest among the groups gnomAD compares: South Asian, 0.0011%; no homozygotes.

Submission:

Labcorp Genetics (formerly Invitae), Labcorp
Classification: Uncertain significance for Epidermolysis bullosa simplex 3, localized or generalized intermediate, with BP230 deficiency; Hereditary sensory and autonomic neuropathy type 6. Last evaluated: 2022-01-06. Review status: criteria provided, single submitter. Criteria: Invitae Variant Classification Sherloc (09022015). Collection method: clinical testing. Allele origin: germline.
Comment: The DST gene has multiple clinically relevant transcripts. This variant occurs in alternate transcript NM_015548.4, and corresponds to NM_001723.5:c.*83079A>G in the primary transcript. This sequence change replaces threonine, which is neutral and polar, with alanine, which is neutral and non-polar, at codon 3049 of the DST protein (p.Thr3049Ala). This variant is present in population databases (rs759876990, gnomAD 0.0009%). This variant has not been reported in the literature in individuals affected with DST-related conditions. Experimental studies and prediction algorithms are not available or were not evaluated, and the functional significance of this variant is currently unknown. In summary, the available evidence is currently insufficient to determine the role of this variant in disease. Therefore, it has been classified as a Variant of Uncertain Significance.